The following is an entry in ClinVar:

NM_000090.4(COL3A1):c.839C>T (p.Ala280Val)

Gene: COL3A1 (collagen type III alpha 1 chain; plus strand). Cytogenetic location: 2q32.2.
Variant type: single nucleotide variant.
Coding change: c.839C>T on transcript NM_000090.4 (MANE Select); coding-DNA position 839, C replaced by T.
Protein change: p.Ala280Val; replaces alanine 280 with valine.
Molecular consequence: missense variant.
Genome position (GRCh38, 1-based): chr2:188,991,044, C>T. VCF-style: chr2-188991044-C-T. GRCh37 (hg19) VCF-style: chr2-189855770-C-T.
Other names: short protein forms A280V.
Identifiers: ClinVar variation 1171327 (VCV001171327.3), dbSNP rs1422693997, ClinGen allele CA349849826.

ClinVar aggregate classification (germline): Uncertain significance (1 of 4 stars; one submission).

Conditions:
Familial thoracic aortic aneurysm and aortic dissection (TAAD). Also called: Thoracic aortic aneurysms and dissections. Identifiers: Orphanet 91387, MedGen C4707243, MONDO:0019625.

Allele frequency attached by ClinVar (database versions not stated): gnomAD exomes below 0.00001.
gnomAD v4.1: 1 of 1,613,092 alleles (0.000062%); highest among the groups gnomAD compares: Non-Finnish European, 0.000085%; no homozygotes.

Submission:

Color Diagnostics, LLC DBA Color Health
Classification: Uncertain significance for Familial thoracic aortic aneurysm and aortic dissection. Last evaluated: 2024-03-06. Review status: criteria provided, single submitter. Criteria: ACMG Guidelines, 2015. Collection method: clinical testing. Allele origin: germline.
Comment: This missense variant replaces alanine with valine at codon 280 of the COL3A1 protein. Computational prediction suggests that this variant may not impact protein structure and function (internally defined REVEL score threshold <= 0.5, PMID: 27666373). To our knowledge, functional studies have not been reported for this variant. This variant has not been reported in individuals affected with cardiovascular disorders in the literature. This variant has been identified in 1/251124 chromosomes in the general population by the Genome Aggregation Database (gnomAD). The available evidence is insufficient to determine the role of this variant in disease conclusively. Therefore, this variant is classified as a Variant of Uncertain Significance.